The following is an entry in ClinVar:

NM_015259.6(ICOSLG):c.594C>T (p.Asp198=)

Gene: ICOSLG (inducible T cell costimulator ligand; minus strand). Cytogenetic location: 21q22.3.
Variant type: single nucleotide variant.
Coding change: c.594C>T on transcript NM_015259.6 (MANE Select); coding-DNA position 594, C replaced by T.
Protein change: p.Asp198=; no amino-acid change (aspartic acid 198 retained).
Molecular consequence: synonymous variant.
Genome position (GRCh38, 1-based): chr21:44,235,375, G>A on the plus strand (C>T on the coding strand, the complement: ICOSLG is on the minus strand). VCF-style: chr21-44235375-G-A. GRCh37 (hg19) VCF-style: chr21-45655258-G-A.
Other names: c.594C>T, p.Asp198= (NM_001283050.2); c.243C>T, p.Asp81= (NM_001283051.2); c.339C>T, p.Asp113= (NM_001283052.2); c.513C>T, p.Asp171= (NM_001365759.2).
Identifiers: ClinVar variation 1537738 (VCV001537738.31), dbSNP rs578188475, ClinGen allele CA321497146.

ClinVar aggregate classification (germline): Likely benign. Review status: criteria provided, multiple submitters, no conflicts (2 of 4 stars). 2 submissions from 2 submitters: Likely benign (2). Last evaluated 2026-01-08.

Allele frequency attached by ClinVar (database versions not stated): gnomAD exomes 0.00006; ExAC 0.00008.

Submissions (2):

Labcorp Genetics (formerly Invitae), Labcorp
Classification: Likely benign. Last evaluated: 2026-01-08. Review status: criteria provided, single submitter. Criteria: Invitae Variant Classification Sherloc (09022015). Collection method: clinical testing. Allele origin: germline.

CeGaT Center for Human Genetics Tuebingen
Classification: Likely benign. Last evaluated: 2023-07-01. Review status: criteria provided, single submitter. Criteria: CeGaT Center For Human Genetics Tuebingen Variant Classification Criteria Version 2. Collection method: clinical testing. Allele origin: germline. Affected: yes. Observed: 1 variant allele.
Comment: ICOSLG: BP4, BP7